The following is an entry in ClinVar:

NM_002910.6(RENBP):c.698A>C (p.Gln233Pro)

Gene: RENBP (renin binding protein; minus strand). Cytogenetic location: Xq28.
Variant type: single nucleotide variant.
Coding change: c.698A>C on transcript NM_002910.6 (MANE Select); coding-DNA position 698, A replaced by C.
Protein change: p.Gln233Pro; replaces glutamine 233 with proline.
Molecular consequence: missense variant.
Genome position (GRCh38, 1-based): chrX:153,942,021, T>G on the plus strand (A>C on the coding strand, the complement: RENBP is on the minus strand). VCF-style: chrX-153942021-T-G. GRCh37 (hg19) VCF-style: chrX-153207474-T-G.
Other names: short protein forms Q233P.
Identifiers: ClinVar variation 4835290 (VCV004835290.1).

ClinVar aggregate classification (germline): Uncertain significance (1 of 4 stars; one submission).

Submission:

Ambry Genetics
Classification: Uncertain significance. Last evaluated: 2025-12-16. Review status: criteria provided, single submitter. Criteria: Ambry Variant Classification Scheme 2023. Collection method: clinical testing. Allele origin: germline.
Comment: The c.698A>C (p.Q233P) alteration is located in exon 7 (coding exon 7) of the RENBP gene. This alteration results from a A to C substitution at nucleotide position 698, causing the glutamine (Q) at amino acid position 233 to be replaced by a proline (P). Based on data from gnomAD, the C allele has an overall frequency of <0.001% (1/182462) total alleles studied. The highest observed frequency was 0.007% (1/13738) of East Asian alleles. Based on insufficient or conflicting evidence, the clinical significance of this alteration remains unclear.